The following is an entry in ClinVar:

ClinVar aggregate classification (germline): Pathogenic (1 of 4 stars; one submission).

Submission:

Labcorp Genetics (formerly Invitae), Labcorp
Classification: Pathogenic. Last evaluated: 2023-10-04. Review status: criteria provided, single submitter. Criteria: Invitae Variant Classification Sherloc (09022015). Collection method: clinical testing. Allele origin: germline.
Comment: This sequence change creates a premature translational stop signal (p.Glu82*) in the TMC1 gene. It is expected to result in an absent or disrupted protein product. Loss-of-function variants in TMC1 are known to be pathogenic (PMID: 11850618, 22105175). This variant is not present in population databases (gnomAD no frequency). This variant has not been reported in the literature in individuals affected with TMC1-related conditions. Algorithms developed to predict the effect of sequence changes on RNA splicing suggest that this variant may disrupt the consensus splice site. For these reasons, this variant has been classified as Pathogenic.

Literature cited by the submitters: PubMed 11850618; PubMed 22105175.

NM_138691.3(TMC1):c.244G>T (p.Glu82Ter)

Gene: TMC1 (transmembrane channel like 1; plus strand). Cytogenetic location: 9q21.13.
Variant type: single nucleotide variant.
Coding change: c.244G>T on transcript NM_138691.3 (MANE Select); coding-DNA position 244, G replaced by T.
Protein change: p.Glu82Ter; replaces glutamic acid 82 with a stop codon.
Molecular consequence: nonsense.
Genome position (GRCh38, 1-based): chr9:72,700,525, G>T. VCF-style: chr9-72700525-G-T. GRCh37 (hg19) VCF-style: chr9-75315441-G-T.
Other names: short protein forms E82*.
Identifiers: ClinVar variation 2990918 (VCV002990918.3), dbSNP rs1826624806, ClinGen allele CA373724393.